The following is an entry in ClinVar:

ClinVar aggregate classification (germline): Uncertain significance (1 of 4 stars; one submission).

Conditions:
Cohen syndrome (COH1). Also called: PEPPER SYNDROME; Cutis verticis gyrata, retinitis pigmentosa, and sensorineural deafness. Identifiers: Orphanet 193, MedGen C0265223, MONDO:0008999, OMIM 216550.

Allele frequency attached by ClinVar (database versions not stated): gnomAD exomes below 0.00001.
gnomAD v4.1: 1 of 1,613,994 alleles (0.000062%); highest among the groups gnomAD compares: Non-Finnish European, 0.000085%; no homozygotes.

Submission:

Labcorp Genetics (formerly Invitae), Labcorp
Classification: Uncertain significance for Cohen syndrome. Last evaluated: 2022-07-11. Review status: criteria provided, single submitter. Criteria: Invitae Variant Classification Sherloc (09022015). Collection method: clinical testing. Allele origin: germline.
Comment: This sequence change replaces isoleucine, which is neutral and non-polar, with threonine, which is neutral and polar, at codon 1240 of the VPS13B protein (p.Ile1240Thr). This variant is not present in population databases (gnomAD no frequency). This variant has not been reported in the literature in individuals affected with VPS13B-related conditions. Algorithms developed to predict the effect of missense changes on protein structure and function are either unavailable or do not agree on the potential impact of this missense change (SIFT: "Not Available"; PolyPhen-2: "Benign"; Align-GVGD: "Not Available"). In summary, the available evidence is currently insufficient to determine the role of this variant in disease. Therefore, it has been classified as a Variant of Uncertain Significance.

NM_152564.5(VPS13B):c.3719T>C (p.Ile1240Thr)

Gene: VPS13B (vacuolar protein sorting 13 homolog B; plus strand). Cytogenetic location: 8q22.2.
Variant type: single nucleotide variant.
Coding change: c.3719T>C on transcript NM_152564.5 (MANE Select); coding-DNA position 3719, T replaced by C.
Protein change: p.Ile1240Thr; replaces isoleucine 1240 with threonine.
Molecular consequence: missense variant.
Genome position (GRCh38, 1-based): chr8:99,481,651, T>C. VCF-style: chr8-99481651-T-C. GRCh37 (hg19) VCF-style: chr8-100493879-T-C.
Other names: c.3719T>C, p.Ile1240Thr (NM_017890.5); short protein forms I1240T.
Identifiers: ClinVar variation 2016065 (VCV002016065.4), dbSNP rs2490354397, ClinGen allele CA371866756.